The following is an entry in ClinVar:

ClinVar aggregate classification (germline): Uncertain significance (1 of 4 stars; one submission).

Conditions:
Inborn genetic diseases. Identifiers: MedGen C0950123, MeSH D030342.

Submission:

Ambry Genetics
Classification: Uncertain significance for Inborn genetic diseases. Last evaluated: 2026-07-13. Review status: criteria provided, single submitter. Criteria: Ambry Variant Classification Scheme 2023. Collection method: clinical testing. Allele origin: germline.
Comment: The p.S915G variant (also known as c.2743A>G), located in coding exon 21 of the BUB1B gene, results from an A to G substitution at nucleotide position 2743. The serine at codon 915 is replaced by glycine, an amino acid with similar properties. This amino acid position is conserved. In addition, the in silico prediction for this alteration is inconclusive. Based on the available evidence, the clinical significance of this variant remains unclear.

NM_001211.6(BUB1B):c.2743A>G (p.Ser915Gly)

Genes: BUB1B (BUB1 mitotic checkpoint serine/threonine kinase B; plus strand), BUB1B-PAK6 (BUB1B-PAK6 readthrough; plus strand). Cytogenetic location: 15q15.1.
Variant type: single nucleotide variant.
Coding change: c.2743A>G on transcript NM_001211.6 (MANE Select); coding-DNA position 2743, A replaced by G.
Protein change: p.Ser915Gly; replaces serine 915 with glycine.
Molecular consequence: missense variant. On other transcripts: 5 prime UTR variant (2).
Genome position (GRCh38, 1-based): chr15:40,217,560, A>G. VCF-style: chr15-40217560-A-G. GRCh37 (hg19) VCF-style: chr15-40509761-A-G.
Other names: c.-308A>G (NM_001128628.3); c.-225A>G (NM_001128629.3); short protein forms S915G.
Identifiers: ClinVar variation 5033514 (VCV005033514.1).